The following is an entry in ClinVar:

NM_001378454.1(ALMS1):c.8311C>A (p.Pro2771Thr)

Gene: ALMS1 (ALMS1 centrosome and basal body associated protein; plus strand). Cytogenetic location: 2p13.1.
Variant type: single nucleotide variant.
Coding change: c.8311C>A on transcript NM_001378454.1 (MANE Select); coding-DNA position 8311, C replaced by A.
Protein change: p.Pro2771Thr; replaces proline 2771 with threonine.
Molecular consequence: missense variant.
Genome position (GRCh38, 1-based): chr2:73,490,270, C>A. VCF-style: chr2-73490270-C-A. GRCh37 (hg19) VCF-style: chr2-73717397-C-A.
Other names: c.8314C>A, p.Pro2772Thr (NM_015120.4); short protein forms P2771T, P2772T.
Identifiers: ClinVar variation 1001345 (VCV001001345.10), dbSNP rs1245686264, ClinGen allele CA347268207.

ClinVar aggregate classification (germline): Uncertain significance. Review status: criteria provided, single submitter (1 of 4 stars). 2 submissions from 2 submitters: Uncertain significance (1). 1 of the submissions does not count toward it. Last evaluated 2021-10-28.

Conditions:
Alstrom syndrome (ALMS). Identifiers: Orphanet 64, MedGen C0268425, MONDO:0008763, OMIM 203800.

Allele frequency attached by ClinVar (database versions not stated): gnomAD exomes below 0.00001.
gnomAD v4.1: 4 of 1,613,826 alleles (0.00025%); highest among the groups gnomAD compares: Non-Finnish European, 0.00034%; no homozygotes.

Submissions (2):

Labcorp Genetics (formerly Invitae), Labcorp
Classification: Uncertain significance for Alstrom syndrome. Last evaluated: 2021-10-28. Review status: criteria provided, single submitter. Criteria: Invitae Variant Classification Sherloc (09022015). Collection method: clinical testing. Allele origin: germline.
Comment: In summary, the available evidence is currently insufficient to determine the role of this variant in disease. Therefore, it has been classified as a Variant of Uncertain Significance. Experimental studies and prediction algorithms are not available or were not evaluated, and the functional significance of this variant is currently unknown. ClinVar contains an entry for this variant (Variation ID: 1001345). This variant has not been reported in the literature in individuals affected with ALMS1-related conditions. This variant is not present in population databases (gnomAD no frequency). This sequence change replaces proline, which is neutral and non-polar, with threonine, which is neutral and polar, at codon 2772 of the ALMS1 protein (p.Pro2772Thr).

Natera, Inc.
Classification: Uncertain significance for Alstrom syndrome. Last evaluated: 2020-07-23. Review status: no assertion criteria provided. Collection method: clinical testing. Allele origin: germline. Not counted in ClinVar's aggregate classification.